The following is an entry in ClinVar:

NM_002875.5(RAD51):c.923A>C (p.Glu308Ala)

Gene: RAD51 (RAD51 recombinase; plus strand). Cytogenetic location: 15q15.1.
Variant type: single nucleotide variant.
Coding change: c.923A>C on transcript NM_002875.5 (MANE Select); coding-DNA position 923, A replaced by C.
Protein change: p.Glu308Ala; replaces glutamic acid 308 with alanine.
Molecular consequence: missense variant. On other transcripts: synonymous variant (1).
Genome position (GRCh38, 1-based): chr15:40,731,081, A>C. VCF-style: chr15-40731081-A-C. GRCh37 (hg19) VCF-style: chr15-41023279-A-C.
Other names: c.926A>C, p.Glu309Ala (NM_001164269.2, NM_133487.4); c.801A>C, p.Gly267= (NM_001164270.2); short protein forms E308A, E309A.
Identifiers: ClinVar variation 3222877 (VCV003222877.1), dbSNP rs2504537429, ClinGen allele CA391760703.
Genomic context (GRCh38, chr15:40,731,081, plus strand): 5'-TAAATTGGTGCTTTGGTCTGTGTCTTTGGGTCAGATTGTATCTGAGGAAAGGAAGAGGGG[A>C]AACCAGAATCTGCAAAATCTACGACTCTCCCTGTCTTCCTGAAGCTGAAGCTATGTTCGC-3'
Protein context (NP_002866.2, residues 298-318): TRLYLRKGRG[Glu308Ala]TRICKIYDSP

ClinVar aggregate classification (germline): Uncertain significance (1 of 4 stars; one submission).

Conditions:
Inborn genetic diseases. Identifiers: MedGen C0950123, MeSH D030342.

Submission:

Ambry Genetics
Classification: Uncertain significance for Inborn genetic diseases. Last evaluated: 2023-10-19. Review status: criteria provided, single submitter. Criteria: Ambry Variant Classification Scheme 2023. Collection method: clinical testing. Allele origin: germline.
Comment: The p.E308A variant (also known as c.923A>C), located in coding exon 9 of the RAD51 gene, results from an A to C substitution at nucleotide position 923. The glutamic acid at codon 308 is replaced by alanine, an amino acid with dissimilar properties. This amino acid position is conserved. In addition, this alteration is predicted to be deleterious by in silico analysis. Since supporting evidence is limited at this time, the clinical significance of this alteration remains unclear.